The following is an entry in ClinVar:

ClinVar aggregate classification (germline): Uncertain significance. Review status: criteria provided, multiple submitters, no conflicts (2 of 4 stars). 3 submissions from 3 submitters: Uncertain significance (2). 1 of the submissions does not count toward it. Last evaluated 2025-03-07.

Conditions:
Dilated cardiomyopathy 1W (CMD1W). Identifiers: Orphanet 154, MedGen C1969639, MONDO:0012667, OMIM 611407.
VCL-related disorder. Also called: VCL-related condition.
Primary dilated cardiomyopathy (DCM). Also called: Dilated Cardiomyopathy. Identifiers: Orphanet 217604, MedGen C0007193, MeSH D002311, MONDO:0005021, HP:0001644. Inheritance: Various modes of inheritance.

gnomAD v4.1: 1 of 1,614,144 alleles (0.000062%); highest among the groups gnomAD compares: Non-Finnish European, 0.000085%; no homozygotes.

Submissions (3):

PreventionGenetics, part of Exact Sciences
Classification: Uncertain significance for VCL-related condition. Last evaluated: 2025-03-07. Review status: criteria provided, single submitter. Criteria: ACMG Guidelines, 2015. Collection method: clinical testing. Allele origin: germline.
Comment: The VCL c.1382C>A variant is predicted to result in the amino acid substitution p.Ala461Asp. This variant was reported in an individual with dilated cardiomyopathy (Kolokotronis et al. 2020. PubMed ID: 32659924). This variant has not been reported in a large population database (gnomAD), indicating this variant is rare. At this time, the clinical significance of this variant is uncertain due to the absence of conclusive functional and genetic evidence.

Labcorp Genetics (formerly Invitae), Labcorp
Classification: Uncertain significance for Dilated cardiomyopathy 1W. Last evaluated: 2023-10-09. Review status: criteria provided, single submitter. Criteria: Invitae Variant Classification Sherloc (09022015). Collection method: clinical testing. Allele origin: germline.
Comment: This sequence change replaces alanine, which is neutral and non-polar, with aspartic acid, which is acidic and polar, at codon 461 of the VCL protein (p.Ala461Asp). This variant is not present in population databases (gnomAD no frequency). This missense change has been observed in individual(s) with dilated cardiomyopathy (PMID: 32659924). ClinVar contains an entry for this variant (Variation ID: 689587). An algorithm developed to predict the effect of missense changes on protein structure and function (PolyPhen-2) suggests that this variant is likely to be disruptive. In summary, the available evidence is currently insufficient to determine the role of this variant in disease. Therefore, it has been classified as a Variant of Uncertain Significance.

Institute of Human Genetics, University of Wuerzburg
Classification: Uncertain significance for Primary dilated cardiomyopathy. Review status: no assertion criteria provided. Collection method: clinical testing. Allele origin: unknown. Not counted in ClinVar's aggregate classification.

Literature cited by the submitters: PubMed 32659924 (cited by Labcorp Genetics (formerly Invitae), Labcorp).

NM_014000.3(VCL):c.1382C>A (p.Ala461Asp)

Gene: VCL (vinculin; plus strand). Cytogenetic location: 10q22.2.
Variant type: single nucleotide variant.
Coding change: c.1382C>A on transcript NM_014000.3 (MANE Select); coding-DNA position 1382, C replaced by A.
Protein change: p.Ala461Asp; replaces alanine 461 with aspartic acid.
Molecular consequence: missense variant.
Genome position (GRCh38, 1-based): chr10:74,094,300, C>A. VCF-style: chr10-74094300-C-A. GRCh37 (hg19) VCF-style: chr10-75854058-C-A.
Other names: c.1382C>A, p.Ala461Asp (NM_003373.4); c.1382C>A (NM_014000.2); short protein forms A461D.
Identifiers: ClinVar variation 689587 (VCV000689587.5), dbSNP rs886038800, ClinGen allele CA377273697.